The following is an entry in ClinVar:

NM_000038.6(APC):c.7495G>A (p.Val2499Ile)

Gene: APC (APC regulator of Wnt signaling pathway; plus strand). Cytogenetic location: 5q22.2.
Variant type: single nucleotide variant.
Coding change: c.7495G>A on transcript NM_000038.6 (MANE Select); coding-DNA position 7495, G replaced by A.
Protein change: p.Val2499Ile; replaces valine 2499 with isoleucine.
Molecular consequence: missense variant.
Genome position (GRCh38, 1-based): chr5:112,843,089, G>A. VCF-style: chr5-112843089-G-A. GRCh37 (hg19) VCF-style: chr5-112178786-G-A.
Other names: c.7495G>A, p.Val2499Ile (NM_001127510.3, NM_001354895.2); c.7441G>A, p.Val2481Ile (NM_001127511.3); c.7549G>A, p.Val2517Ile (NM_001354896.2); c.7525G>A, p.Val2509Ile (NM_001354897.2); c.7420G>A, p.Val2474Ile (NM_001354898.2); c.7411G>A, p.Val2471Ile (NM_001354899.2); c.7372G>A, p.Val2458Ile (NM_001354900.2); c.7318G>A, p.Val2440Ile (NM_001354901.2); and 5 more; short protein forms V2408I, V2440I, V2509I, V2517I, V2373I, V2398I, V2471I, V2474I.
Identifiers: ClinVar variation 1384473 (VCV001384473.8), dbSNP rs33941929, ClinGen allele CA16037631.
Genomic context (GRCh38, chr5:112,843,089, plus strand): 5'-GCACAAACTCCAGTTTTAAGTCCTTCCCTTCCTGATATGTCTCTATCCACACATTCGTCT[G>A]TTCAGGCTGGTGGATGGCGAAAACTCCCACCTAATCTCAGTCCCACTATAGAGTATAATG-3'
Protein context (NP_000029.2, residues 2489-2509): PDMSLSTHSS[Val2499Ile]QAGGWRKLPP

ClinVar aggregate classification (germline): Uncertain significance. Review status: criteria provided, multiple submitters, no conflicts (2 of 4 stars). 2 submissions from 2 submitters: Uncertain significance (2). Last evaluated 2023-01-09.

Conditions:
Hereditary cancer-predisposing syndrome. Also called: Tumor predisposition; Neoplastic Syndromes, Hereditary; Hereditary Cancer Syndrome; Hereditary neoplastic syndrome. Identifiers: Orphanet 140162, MedGen C0027672, MeSH D009386, MONDO:0015356.
Familial adenomatous polyposis 1 (FAP1). Also called: POLYPOSIS, ADENOMATOUS INTESTINAL; FAMILIAL ADENOMATOUS POLYPOSIS 1, ATTENUATED. Identifiers: MedGen C2713442, MONDO:0021056, OMIM 175100. Disease mechanism: loss of function.

Submissions (2):

Labcorp Genetics (formerly Invitae), Labcorp
Classification: Uncertain significance for Familial adenomatous polyposis 1. Last evaluated: 2023-01-09. Review status: criteria provided, single submitter. Criteria: Invitae Variant Classification Sherloc (09022015). Collection method: clinical testing. Allele origin: germline.
Comment: Advanced modeling of protein sequence and biophysical properties (such as structural, functional, and spatial information, amino acid conservation, physicochemical variation, residue mobility, and thermodynamic stability) performed at Invitae indicates that this missense variant is not expected to disrupt APC protein function. In summary, the available evidence is currently insufficient to determine the role of this variant in disease. Therefore, it has been classified as a Variant of Uncertain Significance. ClinVar contains an entry for this variant (Variation ID: 1384473). This variant has not been reported in the literature in individuals affected with APC-related conditions. This variant is not present in population databases (gnomAD no frequency). This sequence change replaces valine, which is neutral and non-polar, with isoleucine, which is neutral and non-polar, at codon 2499 of the APC protein (p.Val2499Ile).

Ambry Genetics
Classification: Uncertain significance for Hereditary cancer-predisposing syndrome. Last evaluated: 2022-08-28. Review status: criteria provided, single submitter. Criteria: Ambry Variant Classification Scheme 2023. Collection method: clinical testing. Allele origin: germline.
Comment: The p.V2499I variant (also known as c.7495G>A), located in coding exon 15 of the APC gene, results from a G to A substitution at nucleotide position 7495. The valine at codon 2499 is replaced by isoleucine, an amino acid with highly similar properties. This amino acid position is conserved. In addition, in silico predictors for this gene do not accurately predict pathogenicity. Since supporting evidence is limited at this time, the clinical significance of this alteration remains unclear.